The following is an entry in ClinVar:

ClinVar aggregate classification (germline): Uncertain significance. Review status: criteria provided, multiple submitters, no conflicts (2 of 4 stars). 2 submissions from 2 submitters: Uncertain significance (2). Last evaluated 2025-11-06.

Conditions:
Hypogonadotropic hypogonadism 1 with or without anosmia (HH1). Also called: Kallmann syndrome, type 1, X-linked; DYSPLASIA OLFACTOGENITALIS OF DE MORSIER; KAL1-Related GnRH Deficiency (Kallmann Syndrome 1; Kallmann Syndrome, X-Linked); HYPOGONADOTROPIC HYPOGONADISM 1 WITH ANOSMIA; Hypogonadotropic hypogonadism 1 with or without anosmia (Kallmann syndrome 1); HYPOGONADOTROPIC HYPOGONADISM AND ANOSMIA. Identifiers: Orphanet 478, MedGen C1563719, MONDO:0010635, OMIM 308700. Disease mechanism: loss of function.
Inborn genetic diseases. Identifiers: MedGen C0950123, MeSH D030342.

Allele frequency attached by ClinVar (database versions not stated): gnomAD 0.00004; gnomAD exomes 0.00006; ExAC 0.00004; TOPMed 0.00008; ESP Exome Variant Server 0.00009.
gnomAD v4.1: 72 of 1,204,264 alleles (0.006%); highest among the groups gnomAD compares: African/African-American, 0.007%; no homozygotes.

Submissions (2):

Ambry Genetics
Classification: Uncertain significance for Inborn genetic diseases. Last evaluated: 2025-11-06. Review status: criteria provided, single submitter. Criteria: Ambry Variant Classification Scheme 2023. Collection method: clinical testing. Allele origin: germline.

Labcorp Genetics (formerly Invitae), Labcorp
Classification: Uncertain significance for Hypogonadotropic hypogonadism 1 with or without anosmia. Last evaluated: 2025-09-14. Review status: criteria provided, single submitter. Criteria: Invitae Variant Classification Sherloc (09022015). Collection method: clinical testing. Allele origin: germline.
Comment: This sequence change replaces arginine, which is basic and polar, with cysteine, which is neutral and slightly polar, at codon 427 of the ANOS1 protein (p.Arg427Cys). This variant is present in population databases (rs371623420, gnomAD 0.007%), including at least one homozygous and/or hemizygous individual. This variant has not been reported in the literature in individuals affected with ANOS1-related conditions. ClinVar contains an entry for this variant (Variation ID: 3127201). Invitae Evidence Modeling of protein sequence and biophysical properties (such as structural, functional, and spatial information, amino acid conservation, physicochemical variation, residue mobility, and thermodynamic stability) indicates that this missense variant is not expected to disrupt ANOS1 protein function with a negative predictive value of 80%. In summary, the available evidence is currently insufficient to determine the role of this variant in disease. Therefore, it has been classified as a Variant of Uncertain Significance.

NM_000216.4(ANOS1):c.1279C>T (p.Arg427Cys)

Gene: ANOS1 (anosmin 1; minus strand). Cytogenetic location: Xp22.31.
Variant type: single nucleotide variant.
Coding change: c.1279C>T on transcript NM_000216.4 (MANE Select); coding-DNA position 1279, C replaced by T.
Protein change: p.Arg427Cys; replaces arginine 427 with cysteine.
Molecular consequence: missense variant.
Genome position (GRCh38, 1-based): chrX:8,554,027, G>A on the plus strand (C>T on the coding strand, the complement: ANOS1 is on the minus strand). VCF-style: chrX-8554027-G-A. GRCh37 (hg19) VCF-style: chrX-8522068-G-A.
Other names: short protein forms R427C.
Identifiers: ClinVar variation 3127201 (VCV003127201.3), dbSNP rs371623420, ClinGen allele CA10343649.
Genomic context (GRCh38, chrX:8,554,027, plus strand): 5'-AGTAGACTTTAACTTGCAGTTGGCCATCCTGATAGAAGGGAGCTCCGACTTCCAGCGGGC[G>A]AGTGGGTCGTCGTCTTTGAAAAGGGAGTTGTGTTTGAATTCCACCTTTTCTAGTTTTCAC-3'
Protein context (NP_000207.2, residues 417-437): QLPFQRRRPT[Arg427Cys]PLEVGAPFYQ